The following is an entry in ClinVar:

NM_004360.5(CDH1):c.1280C>T (p.Thr427Ile)

Gene: CDH1 (cadherin 1; plus strand). Cytogenetic location: 16q22.1.
Variant type: single nucleotide variant.
Coding change: c.1280C>T on transcript NM_004360.5 (MANE Select); coding-DNA position 1280, C replaced by T.
Protein change: p.Thr427Ile; replaces threonine 427 with isoleucine.
Molecular consequence: missense variant. On other transcripts: 5 prime UTR variant (2), intron variant (1).
Genome position (GRCh38, 1-based): chr16:68,813,455, C>T. VCF-style: chr16-68813455-C-T. GRCh37 (hg19) VCF-style: chr16-68847358-C-T.
Other names: c.-336C>T (NM_001317185.2); c.-540C>T (NM_001317186.2); c.1137+1192C>T (NM_001317184.2); short protein forms T427I.
Identifiers: ClinVar variation 3488691 (VCV003488691.1).
Genomic context (GRCh38, chr16:68,813,455, plus strand): 5'-CAGCGTGGGAGGCTGTATACACCATATTGAATGATGATGGTGGACAATTTGTCGTCACCA[C>T]AAATCCAGTGAACAACGATGGCATTTTGAAAACAGCAAAGGTTTGTATGGTACCTGGCAA-3'
Protein context (NP_004351.1, residues 417-437): NDDGGQFVVT[Thr427Ile]NPVNNDGILK

ClinVar aggregate classification (germline): Uncertain significance (1 of 4 stars; one submission).

Conditions:
Hereditary cancer-predisposing syndrome. Also called: Tumor predisposition; Neoplastic Syndromes, Hereditary; Hereditary Cancer Syndrome; Hereditary neoplastic syndrome. Identifiers: Orphanet 140162, MedGen C0027672, MeSH D009386, MONDO:0015356.

Submission:

Ambry Genetics
Classification: Uncertain significance for Hereditary cancer-predisposing syndrome. Last evaluated: 2024-11-30. Review status: criteria provided, single submitter. Criteria: Ambry Variant Classification Scheme 2023. Collection method: clinical testing. Allele origin: germline.
Comment: The p.T427I variant (also known as c.1280C>T), located in coding exon 9 of the CDH1 gene, results from a C to T substitution at nucleotide position 1280. The threonine at codon 427 is replaced by isoleucine, an amino acid with similar properties. This amino acid position is conserved. In addition, this alteration is predicted to be deleterious by in silico analysis. Based on the available evidence, the clinical significance of this variant remains unclear.